The following is an entry in ClinVar:

NM_001127464.1:c.8933C>G

Gene: ZNF469 (zinc finger protein 469; plus strand).
Variant type: single nucleotide variant.
Identifiers: ClinVar variation 4209220 (VCV004209220.1).

ClinVar aggregate classification (germline): Uncertain significance (1 of 4 stars; one submission).

Conditions:
Cardiovascular phenotype. Identifiers: MedGen CN230736.

Submission:

Ambry Genetics
Classification: Uncertain significance for Cardiovascular phenotype. Last evaluated: 2025-08-19. Review status: criteria provided, single submitter. Criteria: Ambry Variant Classification Scheme 2023. Collection method: clinical testing. Allele origin: germline.
Comment: The p.A2978G variant (also known as c.8933C>G), located in coding exon 2 of the ZNF469 gene, results from a C to G substitution at nucleotide position 8933. The alanine at codon 2978 is replaced by glycine, an amino acid with similar properties. This amino acid position is conserved. In addition, this alteration is predicted to be tolerated by in silico analysis. Based on the available evidence, the clinical significance of this variant remains unclear.